The following is an entry in ClinVar:

NM_001166108.2(PALLD):c.743A>T (p.Asp248Val)

Gene: PALLD (palladin, cytoskeletal associated protein; plus strand). Cytogenetic location: 4q32.3.
Variant type: single nucleotide variant.
Coding change: c.743A>T on transcript NM_001166108.2 (MANE Select); coding-DNA position 743, A replaced by T.
Protein change: p.Asp248Val; replaces aspartic acid 248 with valine.
Molecular consequence: missense variant.
Genome position (GRCh38, 1-based): chr4:168,512,247, A>T. VCF-style: chr4-168512247-A-T. GRCh37 (hg19) VCF-style: chr4-169433398-A-T.
Other names: c.743A>T, p.Asp248Val (NM_016081.4); short protein forms D248V.
Identifiers: ClinVar variation 2448493 (VCV002448493.2), dbSNP rs767769054, ClinGen allele CA3135427.

ClinVar aggregate classification (germline): Uncertain significance (1 of 4 stars; one submission).

Allele frequency attached by ClinVar (database versions not stated): gnomAD exomes below 0.00001; ExAC 0.00001.
gnomAD v4.1: 2 of 1,614,146 alleles (0.00012%); highest among the groups gnomAD compares: Non-Finnish European, 0.00017%; no homozygotes.

Submission:

Ambry Genetics
Classification: Uncertain significance. Last evaluated: 2023-02-15. Review status: criteria provided, single submitter. Criteria: Ambry Variant Classification Scheme 2023. Collection method: clinical testing. Allele origin: germline.
Comment: The p.D248V variant (also known as c.743A>T), located in coding exon 1 of the PALLD gene, results from an A to T substitution at nucleotide position 743. The aspartic acid at codon 248 is replaced by valine, an amino acid with highly dissimilar properties. This amino acid position is conserved. In addition, this alteration is predicted to be tolerated by in silico analysis. Since supporting evidence is limited at this time, the clinical significance of this alteration remains unclear.